The following is an entry in ClinVar:

ClinVar aggregate classification (germline): Uncertain significance (1 of 4 stars; one submission).

Conditions:
Progressive myoclonic epilepsy type 5. Identifiers: Orphanet 402082, MedGen C5190799.

gnomAD v4.1: 25 of 1,614,010 alleles (0.0015%); highest among the groups gnomAD compares: Non-Finnish European, 0.0019%; no homozygotes.

Submission:

Labcorp Genetics (formerly Invitae), Labcorp
Classification: Uncertain significance for Progressive myoclonic epilepsy type 5. Last evaluated: 2025-03-09. Review status: criteria provided, single submitter. Criteria: Invitae Variant Classification Sherloc (09022015). Collection method: clinical testing. Allele origin: germline.
Comment: This sequence change replaces serine, which is neutral and polar, with leucine, which is neutral and non-polar, at codon 453 of the PRICKLE2 protein (p.Ser453Leu). This variant is present in population databases (rs767820294, gnomAD 0.004%). This variant has not been reported in the literature in individuals affected with PRICKLE2-related conditions. Invitae Evidence Modeling of protein sequence and biophysical properties (such as structural, functional, and spatial information, amino acid conservation, physicochemical variation, residue mobility, and thermodynamic stability) indicates that this missense variant is not expected to disrupt PRICKLE2 protein function with a negative predictive value of 80%. In summary, the available evidence is currently insufficient to determine the role of this variant in disease. Therefore, it has been classified as a Variant of Uncertain Significance.

NM_198859.4(PRICKLE2):c.1358C>T (p.Ser453Leu)

Gene: PRICKLE2 (prickle planar cell polarity protein 2; minus strand). Cytogenetic location: 3p14.1.
Variant type: single nucleotide variant.
Coding change: c.1358C>T on transcript NM_198859.4 (MANE Select); coding-DNA position 1358, C replaced by T.
Protein change: p.Ser453Leu; replaces serine 453 with leucine.
Molecular consequence: missense variant.
Genome position (GRCh38, 1-based): chr3:64,147,132, G>A on the plus strand (C>T on the coding strand, the complement: PRICKLE2 is on the minus strand). VCF-style: chr3-64147132-G-A. GRCh37 (hg19) VCF-style: chr3-64132808-G-A.
Other names: c.1358C>T, p.Ser453Leu (NM_001370528.1); short protein forms S453L.
Identifiers: ClinVar variation 4748781 (VCV004748781.1).